The following is an entry in ClinVar:

ClinVar aggregate classification (germline): Likely pathogenic (1 of 4 stars; one submission).

Submission:

Labcorp Genetics (formerly Invitae), Labcorp
Classification: Likely pathogenic. Last evaluated: 2021-08-12. Review status: criteria provided, single submitter. Criteria: Invitae Variant Classification Sherloc (09022015). Collection method: clinical testing. Allele origin: germline.
Comment: This variant is a gross deletion of the genomic region encompassing exon(s) 21-22 of the NPHS1 gene. This variant would be expected to be in-frame, preserving the integrity of the reading frame. This variant has not been reported in the literature in individuals affected with NPHS1-related conditions. This variant disrupts the p.Tyr977 amino acid residue in NPHS1. Other variant(s) that disrupt this residue have been determined to be pathogenic (PMID: 22584503). This suggests that this residue is clinically significant, and that variants that disrupt this residue are likely to be disease-causing. In summary, the currently available evidence indicates that the variant is pathogenic, but additional data are needed to prove that conclusively. Therefore, this variant has been classified as Likely Pathogenic.

Literature cited by the submitters: PubMed 22584503.

NC_000019.9:g.(?_36330129)_(36330519_?)del

Gene: NPHS1 (NPHS1 adhesion molecule, nephrin; minus strand). Cytogenetic location: 19q13.12.
Variant type: Deletion.
Identifiers: ClinVar variation 1513359 (VCV001513359.5).